The following is an entry in ClinVar:

NM_005629.4(SLC6A8):c.126A>G (p.Thr42=)

Gene: SLC6A8 (solute carrier family 6 member 8; plus strand). Cytogenetic location: Xq28.
Variant type: single nucleotide variant.
Coding change: c.126A>G on transcript NM_005629.4 (MANE Select); coding-DNA position 126, A replaced by G.
Protein change: p.Thr42=; no amino-acid change (threonine 42 retained).
Molecular consequence: synonymous variant.
Genome position (GRCh38, 1-based): chrX:153,688,700, A>G. VCF-style: chrX-153688700-A-G. GRCh37 (hg19) VCF-style: chrX-152954155-A-G.
Other names: c.126A>G, p.Thr42= (NM_001142805.2).
Identifiers: ClinVar variation 778783 (VCV000778783.32), dbSNP rs1557043825, ClinGen allele CA519344539.

ClinVar aggregate classification (germline): Likely benign. Review status: criteria provided, multiple submitters, no conflicts (2 of 4 stars). 2 submissions from 2 submitters: Likely benign (2). Last evaluated 2026-05-01.

Conditions:
Creatine transporter deficiency (CCDS1). Also called: Mental retardation , X-linked with seizures, short stature and midface hypoplasia; Mental retardation , X-linked, with creatine transport deficiency; X-linked creatine transporter deficiency; X-linked creatine deficiency syndrome; SLC6A8-Related Creatine Transporter Deficiency; CREATINE TRANSPORTER DEFECT. Identifiers: Orphanet 52503, MedGen C1845862, MONDO:0010305, OMIM 300352.

Allele frequency attached by ClinVar (database versions not stated): gnomAD exomes below 0.00001; gnomAD 0.00006.
gnomAD v4.1: 2 of 1,120,617 alleles (0.00018%); highest among the groups gnomAD compares: Non-Finnish European, 0.00024%; no homozygotes.

Submissions (2):

CeGaT Center for Human Genetics Tuebingen
Classification: Likely benign. Last evaluated: 2026-05-01. Review status: criteria provided, single submitter. Criteria: CeGaT Center For Human Genetics Tuebingen Variant Classification Criteria Version 2. Collection method: clinical testing. Allele origin: germline. Affected: yes. Observed: 2 variant alleles.
Comment: SLC6A8: BP4, BP7

Labcorp Genetics (formerly Invitae), Labcorp
Classification: Likely benign for Creatine transporter deficiency. Last evaluated: 2018-03-09. Review status: criteria provided, single submitter. Criteria: Invitae Variant Classification Sherloc (09022015). Collection method: clinical testing. Allele origin: germline.